The following is an entry in ClinVar:

NM_024675.3(PALB2):c.3202-?_3350+?del

Gene: PALB2 (partner and localizer of BRCA2; minus strand).
Variant type: Deletion.
Coding change: c.3202-?_3350+?del on transcript NM_024675.3.
Other names: c.3202-?_3350+?del (LRG_308t1).
Identifiers: ClinVar variation 254056 (VCV000254056.2).

ClinVar aggregate classification (germline): Pathogenic (1 of 4 stars; one submission).

Conditions:
Familial cancer of breast. Also called: hereditary breast carcinoma; BREAST CANCER, FAMILIAL; Hereditary breast cancer. Identifiers: Orphanet 227535, MedGen C0346153, MONDO:0016419, OMIM 114480. Disease mechanism: loss of function.

Submission:

Labcorp Genetics (formerly Invitae), Labcorp
Classification: Pathogenic for Familial cancer of breast. Last evaluated: 2016-01-18. Review status: criteria provided, single submitter. Criteria: Invitae Variant Classification Sherloc (09022015). Collection method: clinical testing. Allele origin: germline.
Comment: This variant is a gross deletion of the genomic region encompassing exon 12 of the PALB2 gene. This creates a premature translational stop signal and is expected to result in an absent or disrupted protein product. While this particular variant has not been reported in the literature, gross deletions and truncating variants in PALB2 are known to be pathogenic (PMID: 25099575, 17200668). For these reasons, this variant has been classified as Pathogenic.